The following is an entry in ClinVar:

ClinVar aggregate classification (germline): Uncertain significance. Review status: criteria provided, multiple submitters, no conflicts (2 of 4 stars). 3 submissions from 3 submitters: Uncertain significance (3). Last evaluated 2025-12-28.

Allele frequency attached by ClinVar (database versions not stated): gnomAD exomes 0.00003; gnomAD 0.00005 and 0.00006; TOPMed 0.00008; ExAC 0.00014.

Submissions (3):

Labcorp Genetics (formerly Invitae), Labcorp
Classification: Uncertain significance. Last evaluated: 2025-12-28. Review status: criteria provided, single submitter. Criteria: Invitae Variant Classification Sherloc (09022015). Collection method: clinical testing. Allele origin: germline.
Comment: This sequence change replaces alanine, which is neutral and non-polar, with threonine, which is neutral and polar, at codon 122 of the FSCN2 protein (p.Ala122Thr). The frequency data for this variant in the population databases is considered unreliable, as metrics indicate poor data quality at this position in the gnomAD database. This missense change has been observed in individual(s) with autosomal dominant retinitis pigmentosa (PMID: 16280978). ClinVar contains an entry for this variant (Variation ID: 499578). An algorithm developed to predict the effect of missense changes on protein structure and function (PolyPhen-2) suggests that this variant is likely to be disruptive. In summary, the available evidence is currently insufficient to determine the role of this variant in disease. Therefore, it has been classified as a Variant of Uncertain Significance.

Eurofins Ntd Llc (ga)
Classification: Uncertain significance. Last evaluated: 2017-01-25. Review status: criteria provided, single submitter. Criteria: EGL Classification Definitions 2015. Collection method: clinical testing. Allele origin: germline. Observed: 1 variant allele, 1 heterozygote.

Breakthrough Genomics
Classification: Uncertain significance. Review status: criteria provided, single submitter. Criteria: ACMG Guidelines, 2015. Collection method: not provided. Allele origin: germline. Inheritance: Unknown mechanism. Affected: yes.

Literature cited by the submitters: PubMed 16280978 (cited by Labcorp Genetics (formerly Invitae), Labcorp).

NM_012418.4(FSCN2):c.364G>A (p.Ala122Thr)

Gene: FSCN2 (fascin actin-bundling protein 2, retinal; plus strand). Cytogenetic location: 17q25.3.
Variant type: single nucleotide variant.
Coding change: c.364G>A on transcript NM_012418.4 (MANE Select); coding-DNA position 364, G replaced by A.
Protein change: p.Ala122Thr; replaces alanine 122 with threonine.
Molecular consequence: missense variant.
Genome position (GRCh38, 1-based): chr17:81,528,895, G>A. VCF-style: chr17-81528895-G-A. GRCh37 (hg19) VCF-style: chr17-79495921-G-A.
Other names: c.364G>A, p.Ala122Thr (NM_001077182.3); short protein forms A122T.
Identifiers: ClinVar variation 499578 (VCV000499578.15), dbSNP rs782798108, ClinGen allele CA8836656.
Genomic context (GRCh38, chr17:81,528,895, plus strand): 5'-CTGCGGTCCGAGCCGCACGGCCGCTTCTTCGGAGGCACCGAGGACCAGCTGTCCTGCTTC[G>A]CCACAGCCGTTTCCCCGGCCGAGCTGTGGACCGTGCACCTGGCCATCCACCCGCAGGCCC-3'
Protein context (NP_036550.1, residues 112-132): GGTEDQLSCF[Ala122Thr]TAVSPAELWT